The following is an entry in ClinVar:

ClinVar aggregate classification (germline): Uncertain significance (1 of 4 stars; one submission).

Conditions:
Primary ciliary dyskinesia. Also called: Ciliary dyskinesia. Identifiers: Orphanet 244, MedGen C0008780, MONDO:0016575, HP:0012265.

Allele frequency attached by ClinVar (database versions not stated): gnomAD 0.00001; gnomAD exomes 0.00001; ExAC 0.00002.
gnomAD v4.1: 29 of 1,614,040 alleles (0.0018%); highest among the groups gnomAD compares: African/African-American, 0.016%; no homozygotes.

Submission:

Labcorp Genetics (formerly Invitae), Labcorp
Classification: Uncertain significance for Primary ciliary dyskinesia. Last evaluated: 2024-12-09. Review status: criteria provided, single submitter. Criteria: Invitae Variant Classification Sherloc (09022015). Collection method: clinical testing. Allele origin: germline.
Comment: This sequence change replaces valine, which is neutral and non-polar, with isoleucine, which is neutral and non-polar, at codon 458 of the DRC1 protein (p.Val458Ile). This variant is present in population databases (rs372422691, gnomAD 0.003%). This variant has not been reported in the literature in individuals affected with DRC1-related conditions. ClinVar contains an entry for this variant (Variation ID: 1525655). An algorithm developed to predict the effect of missense changes on protein structure and function (PolyPhen-2) suggests that this variant is likely to be tolerated. In summary, the available evidence is currently insufficient to determine the role of this variant in disease. Therefore, it has been classified as a Variant of Uncertain Significance.

NM_145038.5(DRC1):c.1372G>A (p.Val458Ile)

Gene: DRC1 (dynein regulatory complex subunit 1; plus strand). Cytogenetic location: 2p23.3.
Variant type: single nucleotide variant.
Coding change: c.1372G>A on transcript NM_145038.5 (MANE Select); coding-DNA position 1372, G replaced by A.
Protein change: p.Val458Ile; replaces valine 458 with isoleucine.
Molecular consequence: missense variant.
Genome position (GRCh38, 1-based): chr2:26,444,924, G>A. VCF-style: chr2-26444924-G-A. GRCh37 (hg19) VCF-style: chr2-26667792-G-A.
Other names: short protein forms V458I.
Identifiers: ClinVar variation 1525655 (VCV001525655.7), dbSNP rs372422691, ClinGen allele CA1562209.
Genomic context (GRCh38, chr2:26,444,924, plus strand): 5'-TGGTTCCTGAACAATGTTGGGCCTATTTCTCAGCAGCCCCAGAAGTCCGCCACACAGATA[G>A]TAGAAGAAATGCTTATGCGCTCAGGTGACTAGAACACTGTCATAGAGCCTTAGAGCTGGA-3'
Protein context (NP_659475.2, residues 448-468): QQPQKSATQI[Val458Ile]EEMLMRSEEE